The following is an entry in ClinVar:

NM_019023.5(PRMT7):c.1490G>A (p.Arg497Gln)

Gene: PRMT7 (protein arginine methyltransferase 7; plus strand). Cytogenetic location: 16q22.1.
Variant type: single nucleotide variant.
Coding change: c.1490G>A on transcript NM_019023.5 (MANE Select); coding-DNA position 1490, G replaced by A.
Protein change: p.Arg497Gln; replaces arginine 497 with glutamine.
Molecular consequence: missense variant. On other transcripts: non-coding transcript variant (12), intron variant (1).
Genome position (GRCh38, 1-based): chr16:68,352,324, G>A. VCF-style: chr16-68352324-G-A. GRCh37 (hg19) VCF-style: chr16-68386227-G-A.
Other names: c.1340G>A, p.Arg447Gln (NM_001184824.4); c.1490G>A, p.Arg497Gln (NM_001290018.2, NM_001351143.3, NM_001378018.1); c.1283G>A, p.Arg428Gln (NM_001378020.1); c.1253G>A, p.Arg418Gln (NM_001378021.1, NM_001378022.1, NM_001378023.1); c.1481+9G>A (NM_001351144.3); c.1490G>A (NM_019023.2, NM_001290018.1); short protein forms R418Q, R428Q, R447Q, R497Q.
Identifiers: ClinVar variation 1687555 (VCV001687555.3), dbSNP rs753756119, ClinGen allele CA8127492.

ClinVar aggregate classification (germline): Conflicting classifications of pathogenicity. Review status: criteria provided, conflicting classifications (1 of 4 stars). 3 submissions from 3 submitters: Likely pathogenic (1); Uncertain significance (2). Last evaluated 2023-04-04.

Conditions:
Short stature-brachydactyly-obesity-global developmental delay syndrome. Also called: SHORT STATURE, BRACHYDACTYLY, IMPAIRED INTELLECTUAL DEVELOPMENT, AND SEIZURES; Short stature, brachydactyly, intellectual developmental disability, and seizures. Identifiers: Orphanet 464288, MedGen C4310689, MONDO:0014944, OMIM 617157.

Allele frequency attached by ClinVar (database versions not stated): TOPMed 0.00001; ExAC 0.00003; gnomAD 0.00003 and 0.00004; gnomAD exomes 0.00003.
gnomAD v4.1: 21 of 1,612,694 alleles (0.0013%); highest among the groups gnomAD compares: South Asian, 0.012%; no homozygotes.

Submissions (3):

GeneDx
Classification: Uncertain significance. Last evaluated: 2023-04-04. Review status: criteria provided, single submitter. Criteria: GeneDx Variant Classification Process June 2021. Collection method: clinical testing. Allele origin: germline. Affected: yes.
Comment: In silico analysis supports that this missense variant does not alter protein structure/function; This variant is associated with the following publications: (PMID: 34426522, 30513135, 30006058, 28902392, 30802433)

University of Washington Department of Laboratory Medicine, University of Washington
Classification: Likely pathogenic for Short stature-brachydactyly-obesity-global developmental delay syndrome. Last evaluated: 2022-12-13. Review status: criteria provided, single submitter. Criteria: ACMG Guidelines, 2015. Collection method: clinical testing. Allele origin: maternal. Affected: yes.
Comment: The presence of this variant with an established disease-causing variant on the opposite allele increases suspicion for its pathogenicity. Additionally, this variant has been previously reported in the homozygous state in two siblings with short stature, obesity, brachydactyly, intellectual disability, and additional features (Agolini 2018). The p.Arg497Gln variant has been submitted to ClinVar (Variation ID: 1687555) and has been identified in 8/250226 chromosomes by the Genome Aggregation Database. Although this variant has been seen in the general population, its frequency is low enough to be consistent with a recessive carrier frequency. Using ACMG guidelines, this variant was classified as likely pathogenic for autosomal recessive PRMT7-related syndrome (ACMG evidence codes used: PM3_strong, PM2_supporting, PP1).

3billion
Classification: Uncertain significance for Short stature-brachydactyly-obesity-global developmental delay syndrome. Last evaluated: 2022-05-22. Review status: criteria provided, single submitter. Criteria: ACMG Guidelines, 2015. Collection method: clinical testing. Allele origin: germline. Affected: yes. Observed: 1 homozygote.
Comment: The variant is observed at an extremely low frequency in the gnomAD v2.1.1 dataset (total allele frequency: 0.003%). Same nucleotide change resulting in same amino acid change has been previously reported to be associated with PRMT7 related disorder and co-segregate with the disease in at least one similarly affected relative/individual in the same family or similarly affected unrelated family (PMID: 28902392). However, the evidence of pathogenicity is insufficient at this time. Therefore, this variant is classified as uncertain significanceaccording to the recommendation of ACMG/AMP guideline.

Literature cited by the submitters: PubMed 28902392 (cited by 3billion).